The following is an entry in ClinVar:

ClinVar aggregate classification (germline): Uncertain significance (1 of 4 stars; one submission).

Submission:

GeneDx
Classification: Uncertain significance. Last evaluated: 2019-10-16. Review status: criteria provided, single submitter. Criteria: GeneDx Variant Classification Process June 2021. Collection method: clinical testing. Allele origin: germline. Affected: yes.
Comment: In-silico analysis, which includes splice predictors and evolutionary conservation, is inconclusive as to whether the variant alters gene splicing. In the absence of RNA/functional studies, the actual effect of this sequence change is unknown.; Not observed in large population cohorts (Lek et al., 2016); Has not been previously published as pathogenic or benign to our knowledge

NM_138694.4(PKHD1):c.6866-4T>C

Gene: PKHD1 (PKHD1 ciliary IPT domain containing fibrocystin/polyductin; minus strand). Cytogenetic location: 6p12.2.
Variant type: single nucleotide variant.
Coding change: c.6866-4T>C on transcript NM_138694.4 (MANE Select); 4 bases into the intron before coding-DNA position 6866, T replaced by C.
Molecular consequence: intron variant.
Genome position (GRCh38, 1-based): chr6:51,903,731, A>G on the plus strand (T>C on the coding strand, the complement: PKHD1 is on the minus strand). VCF-style: chr6-51903731-A-G. GRCh37 (hg19) VCF-style: chr6-51768529-A-G.
Other names: c.6866-4T>C (NM_170724.3).
Identifiers: ClinVar variation 1309433 (VCV001309433.2), dbSNP rs2127623125, ClinGen allele CA2573052709.
Genomic context (GRCh38, chr6:51,903,731, plus strand): 5'-CACCAGAAACCTGGATGATCACGTTGTTTCTTATTATATTTCCATGTCCTGACCAGTCTA[A>G]TGTTTCAACAAATCCAGGGGATCCACAAACATAATTAAAATGTACTCAACTCAACACCCT-3'